The following is an entry in ClinVar:

NM_001100427.2(RAP1GDS1):c.1740C>T (p.Val580=)

Gene: RAP1GDS1 (Rap1 GTPase-GDP dissociation stimulator 1; plus strand). Cytogenetic location: 4q23.
Variant type: single nucleotide variant.
Coding change: c.1740C>T on transcript NM_001100427.2 (MANE Select); coding-DNA position 1740, C replaced by T.
Protein change: p.Val580=; no amino-acid change (valine 580 retained).
Molecular consequence: synonymous variant.
Genome position (GRCh38, 1-based): chr4:98,442,033, C>T. VCF-style: chr4-98442033-C-T. GRCh37 (hg19) VCF-style: chr4-99363184-C-T.
Other names: c.1743C>T, p.Val581= (NM_001100426.2); c.1596C>T, p.Val532= (NM_001100428.2); c.1593C>T, p.Val531= (NM_001100429.2); c.1467C>T, p.Val489= (NM_001100430.2); c.1740C>T, p.Val580= (NM_021159.5).
Identifiers: ClinVar variation 4820916 (VCV004820916.4).

ClinVar aggregate classification (germline): Benign (1 of 4 stars; one submission).

gnomAD v4.1: 1,209 of 1,613,934 alleles (0.075%); highest among the groups gnomAD compares: African/African-American, 1.4%; 17 homozygotes.

Submission:

CeGaT Center for Human Genetics Tuebingen
Classification: Benign. Last evaluated: 2026-09-01. Review status: criteria provided, single submitter. Criteria: CeGaT Center For Human Genetics Tuebingen Variant Classification Criteria Version 2. Collection method: clinical testing. Allele origin: germline. Affected: yes. Observed: 2 variant alleles.
Comment: RAP1GDS1: BP4, BP7, BS1, BS2